The following is an entry in ClinVar:

ClinVar aggregate classification (germline): Uncertain significance. Review status: criteria provided, multiple submitters, no conflicts (2 of 4 stars). 2 submissions from 2 submitters: Uncertain significance (2). Last evaluated 2025-09-09.

Conditions:
Inborn genetic diseases. Identifiers: MedGen C0950123, MeSH D030342.

gnomAD v4.1: 1 of 1,612,968 alleles (0.000062%); highest among the groups gnomAD compares: Non-Finnish European, 0.000085%; no homozygotes.

Submissions (2):

Ambry Genetics
Classification: Uncertain significance for Inborn genetic diseases. Last evaluated: 2025-09-09. Review status: criteria provided, single submitter. Criteria: Ambry Variant Classification Scheme 2023. Collection method: clinical testing. Allele origin: germline.

Centre of Medical Genetics, University Hospital Muenster
Classification: Uncertain significance. Last evaluated: 2022-08-26. Review status: criteria provided, single submitter. Criteria: ACMG Guidelines, 2015. Collection method: clinical testing. Allele origin: unknown. Affected: yes. Observed: 1 variant allele, 1 heterozygote.
Comment: ACMG categories: PM1,PM2,PP3

NM_007327.4(GRIN1):c.2560G>A (p.Ala854Thr)

Gene: GRIN1 (glutamate ionotropic receptor NMDA type subunit 1; plus strand). Cytogenetic location: 9q34.3.
Variant type: single nucleotide variant.
Coding change: c.2560G>A on transcript NM_007327.4 (MANE Select); coding-DNA position 2560, G replaced by A.
Protein change: p.Ala854Thr; replaces alanine 854 with threonine.
Molecular consequence: missense variant.
Genome position (GRCh38, 1-based): chr9:137,163,875, G>A. VCF-style: chr9-137163875-G-A. GRCh37 (hg19) VCF-style: chr9-140058327-G-A.
Other names: c.2560G>A, p.Ala854Thr (NM_000832.7, NM_021569.4); c.2623G>A, p.Ala875Thr (NM_001185090.2, NM_001185091.2); c.2560G>A (NM_007327.3); short protein forms A854T, A875T.
Identifiers: ClinVar variation 1708410 (VCV001708410.3), dbSNP rs2131303448, ClinGen allele CA375726868.
Genomic context (GRCh38, chr9:137,163,875, plus strand): 5'-GAGATTGCCTACAAGCGGCACAAGGATGCTCGCCGGAAGCAGATGCAGCTGGCCTTTGCC[G>A]CCGTTAACGTGTGGCGGAAGAACCTGCAGGTAGGGCAGGCCACCCTCCGAGGCCTGGTGC-3'
Protein context (NP_015566.1, residues 844-864): RRKQMQLAFA[Ala854Thr]VNVWRKNLQD